The following is an entry in ClinVar:

NM_004447.6(EPS8):c.1678-2dup

Gene: EPS8 (EGFR pathway substrate 8, signaling adaptor; minus strand). Cytogenetic location: 12p12.3.
Variant type: Duplication.
Coding change: c.1678-2dup on transcript NM_004447.6 (MANE Select); the canonical splice acceptor site of the intron before coding-DNA position 1678, one base duplicated (A; older notation c.1678-2dupA).
Molecular consequence: splice acceptor variant.
Genome position (GRCh38, 1-based): chr12:15,640,848, T duplicated on the plus strand (A on the coding strand, the reverse complement: EPS8 is on the minus strand). VCF-style (leftmost placement, unchanged base first): chr12-15640847-C-CT. GRCh37 (hg19) VCF-style: chr12-15793781-C-CT.
Other names: c.1438-2dup (NM_001413836.1, NM_001413835.1); c.1678-2dup (NM_001413831.1, NM_001413832.1, NM_001413833.1 and 1 more transcripts); c.1261-2dup (NM_001413837.1); c.898-2dup (NM_001413838.1).
Identifiers: ClinVar variation 1376289 (VCV001376289.6), dbSNP rs2135754545, ClinGen allele CA2573147906.
Genomic context (GRCh38, chr12:15,640,847, plus strand): 5'-AAATCCAGAGTCTCCACTTGCATTTCGAACTTTCCACCATTGCTTCCGATCATCAAGTAT[C>CT]TGTCATGTACAAGAAAATAAAGGTATAATTTCCATATAAAAGCCATTCTACGAAAGAAGT-3'

ClinVar aggregate classification (germline): Uncertain significance (1 of 4 stars; one submission).

Submission:

Labcorp Genetics (formerly Invitae), Labcorp
Classification: Uncertain significance. Last evaluated: 2021-08-28. Review status: criteria provided, single submitter. Criteria: Invitae Variant Classification Sherloc (09022015). Collection method: clinical testing. Allele origin: germline.
Comment: This sequence change falls in intron 16 of the EPS8 gene. It does not directly change the encoded amino acid sequence of the EPS8 protein. It affects a nucleotide within the consensus splice site of the intron. This variant is not present in population databases (ExAC no frequency). This variant has not been reported in the literature in individuals affected with EPS8-related conditions. Variants that disrupt the consensus splice site are a relatively common cause of aberrant splicing (PMID: 17576681, 9536098). Experimental studies and prediction algorithms are not available or were not evaluated, and the effect of this variant on mRNA splicing is currently unknown. In summary, the available evidence is currently insufficient to determine the role of this variant in disease. Therefore, it has been classified as a Variant of Uncertain Significance.

Literature cited by the submitters: PubMed 17576681; PubMed 9536098.